The following is an entry in ClinVar:

NM_001368894.2(PAX6):c.349C>T (p.Arg117Ter)

Gene: PAX6 (paired box 6; minus strand). Cytogenetic location: 11p13.
Variant type: single nucleotide variant.
Coding change: c.349C>T on transcript NM_001368894.2 (MANE Select); coding-DNA position 349, C replaced by T.
Protein change: p.Arg117Ter; replaces arginine 117 with a stop codon.
Molecular consequence: nonsense. On other transcripts: 5 prime UTR variant (14), non-coding transcript variant (2), intron variant (8).
Genome position (GRCh38, 1-based): chr11:31,801,611, G>A on the plus strand (C>T on the coding strand, the complement: PAX6 is on the minus strand). VCF-style: chr11-31801611-G-A. GRCh37 (hg19) VCF-style: chr11-31823159-G-A.
Other names: c.-102C>T (NM_001368906.2, NM_001368907.2, NM_001368908.2 and 8 more transcripts); c.550C>T, p.Arg184Ter (NM_001368910.2); c.352C>T, p.Arg118Ter (NM_001368911.2); c.349C>T, p.Arg117Ter (NM_001368912.2, NM_001368913.2, NM_001368914.2 and 6 more transcripts); c.307C>T, p.Arg103Ter (NM_001368915.2, NM_001368916.2, NM_000280.6 and 10 more transcripts); c.-433C>T (NM_001310160.2, NM_001368902.2, NM_001368905.2); c.424C>T, p.Arg142Ter (NM_001368918.2, NM_001368919.2); c.382C>T, p.Arg128Ter (NM_001368920.2); and 3 more; short protein forms R103*, R117*, R128*, R118*, R184*, R142*.
Identifiers: ClinVar variation 3464 (VCV000003464.13), dbSNP rs121907914, ClinGen allele CA252789.

ClinVar aggregate classification (germline): Pathogenic. Review status: criteria provided, multiple submitters, no conflicts (2 of 4 stars). 6 submissions from 6 submitters: Pathogenic (3). 3 of the submissions do not count toward it. Last evaluated 2025-07-08.

Conditions:
PAX6-related disorder. Also called: PAX6-related disorders; PAX6-related condition.
Irido-corneo-trabecular dysgenesis (ASGD5). Also called: ANTERIOR SEGMENT DYSGENESIS 5. Identifiers: Orphanet 708, MedGen C0344559, MONDO:0011414, OMIM 604229, HP:0000659.
Aniridia 1 (AN1). Identifiers: Orphanet 250923, MedGen C0344542, MONDO:0024507, OMIM 106210.

Allele frequency attached by ClinVar (database versions not stated): gnomAD exomes below 0.00001.
gnomAD v4.1: 1 of 1,614,056 alleles (0.000062%); highest among the groups gnomAD compares: Non-Finnish European, 0.000085%; no homozygotes.

Submissions (6):

PreventionGenetics, part of Exact Sciences
Classification: Pathogenic for PAX6-related condition. Last evaluated: 2025-07-08. Review status: criteria provided, single submitter. Criteria: ACMG Guidelines, 2015. Collection method: clinical testing. Allele origin: germline.
Comment: The PAX6 c.349C>T variant is predicted to result in premature protein termination (p.Arg117*). This variant is also referred to as c.307C>T (p.Arg103*) using alternative transcript NM_000280.6. It has been reported in the heterozygous state in individuals with aniridia, including multiple in whom it occurred de novo (Glaser et al. 1994. PubMed ID: 7951315; Cross et al. 2020. PubMed ID: 32360764; Vasilyeva et al. 2017. PubMed ID: 28321846). It has also been reported in individuals with congenital cataracts (Table S3, Li et al. 2023. PubMed ID: 36729443; Liu et al. 2023. PubMed ID: 37337769). In one family, an individual with a severe phenotype including bilateral anophthalmia with fused eyelids and microcephaly was found to be compound heterozygous for this variant and another pathogenic PAX6 variant; This variant is absent in a large population database (gnomAD), indicating it is rare. Nonsense variants in PAX6 are an established mechanism of disease. This variant is interpreted as pathogenic.

Labcorp Genetics (formerly Invitae), Labcorp
Classification: Pathogenic for Aniridia 1; Irido-corneo-trabecular dysgenesis. Last evaluated: 2024-11-10. Review status: criteria provided, single submitter. Criteria: Invitae Variant Classification Sherloc (09022015). Collection method: clinical testing. Allele origin: germline.
Comment: This sequence change creates a premature translational stop signal (p.Arg103*) in the PAX6 gene. It is expected to result in an absent or disrupted protein product. Loss-of-function variants in PAX6 are known to be pathogenic (PMID: 12634864). This variant is not present in population databases (gnomAD no frequency). This premature translational stop signal has been observed in individual(s) with aniridia (PMID: 32360764). In at least one individual the variant was observed to be de novo. Invitae Evidence Modeling of clinical and family history, age, sex, and reported ancestry of multiple individuals with this PAX6 variant has been performed. This variant is expected to be pathogenic with a positive predictive value of at least 99%. This is a validated machine learning model that incorporates the clinical features of 10,718 individuals referred to our laboratory for PAX6 testing. ClinVar contains an entry for this variant (Variation ID: 3464). For these reasons, this variant has been classified as Pathogenic.

GeneDx
Classification: Pathogenic. Last evaluated: 2021-11-22. Review status: criteria provided, single submitter. Criteria: GeneDx Variant Classification Process June 2021. Collection method: clinical testing. Allele origin: germline. Affected: yes.
Comment: Not observed at significant frequency in large population cohorts (Lek et al., 2016); Nonsense variant predicted to result in protein truncation or nonsense mediated decay in a gene for which loss-of-function is a known mechanism of disease; This variant is associated with the following publications: (PMID: 15918896, 9482572, 7951315, 20132240, 9452088, 25525159, 27081561, 28321846, 32360764, 22393272)

Wessex Regional Genetics Laboratory, Salisbury District Hospital
Classification: Pathogenic for Aniridia 1. Last evaluated: 2019-08-15. Review status: no assertion criteria provided. Criteria: ACMG Guidelines, 2015. Collection method: clinical testing. Allele origin: de novo. Inheritance: Autosomal dominant inheritance. Affected: yes. Not counted in ClinVar's aggregate classification.

OMIM
Classification: Pathogenic for ANIRIDIA. Last evaluated: 1994-08-01. Review status: no assertion criteria provided. Collection method: literature only. Allele origin: germline. Not counted in ClinVar's aggregate classification.

Laboratory of Genetic Epidemiology, Research Centre for Medical Genetics
Classification: Pathogenic for Aniridia 1. Review status: no assertion criteria provided. Collection method: research. Allele origin: de novo, paternal. Inheritance: Autosomal dominant inheritance. Affected: yes. Observed: 2 heterozygotes. Not counted in ClinVar's aggregate classification.

Literature cited by the submitters: PubMed 12634864 (cited by Labcorp Genetics (formerly Invitae), Labcorp); PubMed 32360764 (cited by Labcorp Genetics (formerly Invitae), Labcorp); PubMed 7951315 (cited by OMIM); PubMed 28321846 (cited by Laboratory of Genetic Epidemiology, Research Centre for Medical Genetics).